The following is an entry in ClinVar:

ClinVar aggregate classification (germline): Uncertain significance (1 of 4 stars; one submission).

Conditions:
Familial thoracic aortic aneurysm and aortic dissection (TAAD). Also called: Thoracic aortic aneurysms and dissections. Identifiers: Orphanet 91387, MedGen C4707243, MONDO:0019625.

Submission:

Ambry Genetics
Classification: Uncertain significance for Familial thoracic aortic aneurysm and aortic dissection. Last evaluated: 2025-11-16. Review status: criteria provided, single submitter. Criteria: Ambry Variant Classification Scheme 2023. Collection method: clinical testing. Allele origin: germline.
Comment: The p.A1968S variant (also known as c.5902G>T), located in coding exon 31 of the NOTCH1 gene, results from a G to T substitution at nucleotide position 5902. The alanine at codon 1968 is replaced by serine, an amino acid with similar properties. This amino acid position is conserved. In addition, this alteration is predicted to be deleterious by in silico analysis. Based on the available evidence, the clinical significance of this variant remains unclear.

NM_017617.5(NOTCH1):c.5902G>T (p.Ala1968Ser)

Gene: NOTCH1 (notch receptor 1; minus strand). Cytogenetic location: 9q34.3.
Variant type: single nucleotide variant.
Coding change: c.5902G>T on transcript NM_017617.5 (MANE Select); coding-DNA position 5902, G replaced by T.
Protein change: p.Ala1968Ser; replaces alanine 1968 with serine.
Molecular consequence: missense variant.
Genome position (GRCh38, 1-based): chr9:136,500,584, C>A on the plus strand (G>T on the coding strand, the complement: NOTCH1 is on the minus strand). VCF-style: chr9-136500584-C-A. GRCh37 (hg19) VCF-style: chr9-139395036-C-A.
Other names: short protein forms A1968S.
Identifiers: ClinVar variation 4635479 (VCV004635479.1).
Genomic context (GRCh38, chr9:136,500,584, plus strand): 5'-GGTGGGCACACAGGCAGCCACTGCCTACCTGGAAGACACCTTGTGCGTCGGCAGACACAG[C>A]CGCATGCAGCGGGGTGCGGCCCATGTTGTCCTGGATGTTGGCATCTGCGCTGGCCTCCAG-3'
Protein context (NP_060087.3, residues 1958-1978): DNMGRTPLHA[Ala1968Ser]VSADAQGVFQ